The following is an entry in ClinVar:

NM_001347721.2(DYRK1A):c.210dup (p.Arg71fs)

Gene: DYRK1A (dual specificity tyrosine phosphorylation regulated kinase 1A; plus strand). Cytogenetic location: 21q22.13.
Variant type: Duplication.
Coding change: c.210dup on transcript NM_001347721.2 (MANE Select); coding-DNA position 210, one base duplicated (G; older notation c.210dupG).
Protein change: p.Arg71fs; shifts the reading frame from arginine 71.
Molecular consequence: frameshift variant.
Genome position (GRCh38, 1-based): chr21:37,478,210, G duplicated; the last of 2 consecutive G bases (chr21:37,478,209-37,478,210); duplicating either gives the same sequence. VCF-style (leftmost placement, unchanged base first): chr21-37478208-A-AG. GRCh37 (hg19) VCF-style: chr21-38850510-A-AG.
Other names: c.210dup, p.Arg71fs (NM_001347722.2, NM_130436.2); c.123dup, p.Arg42fs (NM_001347723.2); c.237dup, p.Arg80fs (NM_001396.5, NM_101395.2, NM_130438.2); short protein forms R42fs, R71fs, R80fs.
Identifiers: ClinVar variation 1436085 (VCV001436085.6), dbSNP rs2148571400, ClinGen allele CA2573157412.

ClinVar aggregate classification (germline): Pathogenic (1 of 4 stars; one submission).

Conditions:
DYRK1A-related intellectual disability syndrome (MRD7). Also called: Intellectual developmental disorder, autosomal dominant 7; DYRK1A Syndrome. Identifiers: Orphanet 464306, MedGen C5568143, MONDO:0013578, OMIM 614104.

Submission:

Labcorp Genetics (formerly Invitae), Labcorp
Classification: Pathogenic for DYRK1A-related intellectual disability syndrome. Last evaluated: 2022-08-31. Review status: criteria provided, single submitter. Criteria: Invitae Variant Classification Sherloc (09022015). Collection method: clinical testing. Allele origin: germline.
Comment: This sequence change creates a premature translational stop signal (p.Arg80Alafs*8) in the DYRK1A gene. It is expected to result in an absent or disrupted protein product. Loss-of-function variants in DYRK1A are known to be pathogenic (PMID: 25944381). This variant is not present in population databases (gnomAD no frequency). This variant has not been reported in the literature in individuals affected with DYRK1A-related conditions. ClinVar contains an entry for this variant (Variation ID: 1436085). For these reasons, this variant has been classified as Pathogenic.

Literature cited by the submitters: PubMed 25944381.